The following is an entry in ClinVar:

NM_000061.3(BTK):c.119A>G (p.Tyr40Cys)

Gene: BTK (Bruton tyrosine kinase; minus strand). Cytogenetic location: Xq22.1.
Variant type: single nucleotide variant.
Coding change: c.119A>G on transcript NM_000061.3 (MANE Select); coding-DNA position 119, A replaced by G.
Protein change: p.Tyr40Cys; replaces tyrosine 40 with cysteine.
Molecular consequence: missense variant.
Genome position (GRCh38, 1-based): chrX:101,375,166, T>C on the plus strand (A>G on the coding strand, the complement: BTK is on the minus strand). VCF-style: chrX-101375166-T-C. GRCh37 (hg19) VCF-style: chrX-100630154-T-C.
Other names: c.221A>G, p.Tyr74Cys (NM_001287344.2); c.119A>G, p.Tyr40Cys (NM_001287345.2); short protein forms Y40C, Y74C.
Identifiers: ClinVar variation 449226 (VCV000449226.11), dbSNP rs1555980875, ClinGen allele CA413939330.
Genomic context (GRCh38, chrX:101,375,166, plus strand): 5'-ATATCTTGAAACTCAGTTTTCATAGTCGAGAAACTTACCCCACGTTCAAAGTCATACTCA[T>C]AGTAGGAGAGTTTGTGCACGGTCAAGAGAAACAGGCGCTTCTTGAAGTTTAGAGGTGATG-3'
Protein context (NP_000052.1, residues 30-50): FLLTVHKLSY[Tyr40Cys]EYDFERGRRG

ClinVar aggregate classification (germline): Pathogenic. Review status: criteria provided, multiple submitters, no conflicts (2 of 4 stars). 2 submissions from 2 submitters: Pathogenic (2). Last evaluated 2025-06-29.

Conditions:
X-linked agammaglobulinemia with growth hormone deficiency (IGHD3). Also called: FLEISHER SYNDROME; HYPOGAMMAGLOBULINEMIA AND ISOLATED GROWTH HORMONE DEFICIENCY, X-LINKED; IGHD III; AGAMMAGLOBULINEMIA AND ISOLATED GROWTH HORMONE DEFICIENCY, X-LINKED; Isolated growth hormone deficiency type 3; Growth hormone deficiency with hypogammaglobulinemia. Identifiers: Orphanet 231692, Orphanet 631, MedGen C0472813, MONDO:0010615, OMIM 307200.

Submissions (2):

GeneDx
Classification: Pathogenic. Last evaluated: 2025-06-29. Review status: criteria provided, single submitter. Criteria: GeneDx Variant Classification Process June 2021. Collection method: clinical testing. Allele origin: germline. Affected: yes.
Comment: Published functional studies demonstrate p.(Y40C) results in a deletion of 23 nucleotides from exon 2 resulting in a frameshift/premature stop codon and absence of BTK kinase activity (PMID: 8695804); Not observed at significant frequency in large population cohorts (gnomAD); This variant is associated with the following publications: (PMID: 9545398, 28359783, 9260159, 11742281, 19904586, 26417435, 27512878, 34134972, 39116841, 12204007, 39119334, 8695804)

Labcorp Genetics (formerly Invitae), Labcorp
Classification: Pathogenic for X-linked agammaglobulinemia with growth hormone deficiency. Last evaluated: 2023-09-26. Review status: criteria provided, single submitter. Criteria: Invitae Variant Classification Sherloc (09022015). Collection method: clinical testing. Allele origin: germline.
Comment: This sequence change replaces tyrosine, which is neutral and polar, with cysteine, which is neutral and slightly polar, at codon 40 of the BTK protein (p.Tyr40Cys). RNA analysis indicates that this missense change induces altered splicing and may result in an absent or disrupted protein product. This variant is not present in population databases (gnomAD no frequency). This missense change has been observed in individuals with X-linked agammaglobulinemia (PMID: 8695804, 9260159, 12204007, 28359783). This variant is also known as c.251A>G. ClinVar contains an entry for this variant (Variation ID: 449226). Advanced modeling of protein sequence and biophysical properties (such as structural, functional, and spatial information, amino acid conservation, physicochemical variation, residue mobility, and thermodynamic stability) performed at Invitae indicates that this missense variant is expected to disrupt BTK protein function. Studies have shown that this missense change results in the emergence of a cryptic splice site resulting in a 23-base deletion in exon 2 and introduces a premature termination codon (PMID: 8695804, 12204007, 28359783). The resulting mRNA is expected to undergo nonsense-mediated decay. For these reasons, this variant has been classified as Pathogenic.

Literature cited by the submitters: PubMed 8695804 (cited by Labcorp Genetics (formerly Invitae), Labcorp); PubMed 9260159 (cited by Labcorp Genetics (formerly Invitae), Labcorp); PubMed 12204007 (cited by Labcorp Genetics (formerly Invitae), Labcorp); PubMed 28359783 (cited by Labcorp Genetics (formerly Invitae), Labcorp).